The following is an entry in ClinVar:

ClinVar aggregate classification (germline): Uncertain significance (1 of 4 stars; one submission).

Conditions:
Mitochondrial hypertrophic cardiomyopathy with lactic acidosis due to MTO1 deficiency. Also called: CARDIOMYOPATHY, INFANTILE HYPERTROPHIC MITOCHONDRIAL, AND LACTIC ACIDOSIS; Combined oxidative phosphorylation deficiency 10. Identifiers: Orphanet 314637, MedGen C4749921, MONDO:0013865, OMIM 614702.

Submission:

Labcorp Genetics (formerly Invitae), Labcorp
Classification: Uncertain significance for Mitochondrial hypertrophic cardiomyopathy with lactic acidosis due to MTO1 deficiency. Last evaluated: 2024-04-11. Review status: criteria provided, single submitter. Criteria: Invitae Variant Classification Sherloc (09022015). Collection method: clinical testing. Allele origin: germline.
Comment: This sequence change replaces glycine, which is neutral and non-polar, with glutamic acid, which is acidic and polar, at codon 648 of the MTO1 protein (p.Gly648Glu). This variant is not present in population databases (gnomAD no frequency). This variant has not been reported in the literature in individuals affected with MTO1-related conditions. ClinVar contains an entry for this variant (Variation ID: 1971937). Advanced modeling of protein sequence and biophysical properties (such as structural, functional, and spatial information, amino acid conservation, physicochemical variation, residue mobility, and thermodynamic stability) has been performed at Invitae for this missense variant, however the output from this modeling did not meet the statistical confidence thresholds required to predict the impact of this variant on MTO1 protein function. In summary, the available evidence is currently insufficient to determine the role of this variant in disease. Therefore, it has been classified as a Variant of Uncertain Significance.

NM_012123.4(MTO1):c.1943G>A (p.Gly648Glu)

Gene: MTO1 (mitochondrial tRNA translation optimization 1; plus strand). Cytogenetic location: 6q13.
Variant type: single nucleotide variant.
Coding change: c.1943G>A on transcript NM_012123.4 (MANE Select); coding-DNA position 1943, G replaced by A.
Protein change: p.Gly648Glu; replaces glycine 648 with glutamic acid.
Molecular consequence: missense variant.
Genome position (GRCh38, 1-based): chr6:73,500,599, G>A. VCF-style: chr6-73500599-G-A. GRCh37 (hg19) VCF-style: chr6-74210322-G-A.
Other names: c.2063G>A, p.Gly688Glu (NM_001123226.2); c.2018G>A, p.Gly673Glu (NM_133645.3); short protein forms G648E, G688E, G673E.
Identifiers: ClinVar variation 1971937 (VCV001971937.5), dbSNP rs1432356796, ClinGen allele CA364701705.